The following is an entry in ClinVar:

ClinVar aggregate classification (germline): Uncertain significance. Review status: criteria provided, multiple submitters, no conflicts (2 of 4 stars). 2 submissions from 2 submitters: Uncertain significance (2). Last evaluated 2023-11-17.

Conditions:
Familial melanoma. Also called: Hereditary melanoma; Hereditary cutaneous melanoma. Identifiers: Orphanet 618, MedGen C1512419, MONDO:0018961.
Hereditary cancer-predisposing syndrome. Also called: Neoplastic Syndromes, Hereditary; Hereditary neoplastic syndrome; Tumor predisposition; Hereditary Cancer Syndrome. Identifiers: Orphanet 140162, MedGen C0027672, MeSH D009386, MONDO:0015356.

Submissions (2):

Ambry Genetics
Classification: Uncertain significance for Hereditary cancer-predisposing syndrome. Last evaluated: 2023-11-17. Review status: criteria provided, single submitter. Criteria: Ambry Variant Classification Scheme 2023. Collection method: clinical testing. Allele origin: germline.
Comment: The p.F90L variant (also known as c.268T>C), located in coding exon 2 of the CDKN2A gene, results from a T to C substitution at nucleotide position 268. The phenylalanine at codon 90 is replaced by leucine, an amino acid with highly similar properties. This alteration has been reported in an individual with a personal history of multiple primary cutaneous melanomas, ovarian and breast cancer (Gironi LC et al. Arch Dermatol Res, 2018 Dec;310:769-784). One functional study assessing the impact of this variant on cell cycle arrest was inconclusive (Miller PJ et al. Hum Mutat, 2011 Aug;32:900-11). This amino acid position is highly conserved in available vertebrate species. In addition, this alteration is predicted to be deleterious by in silico analysis. Since supporting evidence is limited at this time, the clinical significance of this alteration remains unclear.

Labcorp Genetics (formerly Invitae), Labcorp
Classification: Uncertain significance for Familial melanoma. Last evaluated: 2022-04-21. Review status: criteria provided, single submitter. Criteria: Invitae Variant Classification Sherloc (09022015). Collection method: clinical testing. Allele origin: germline.
Comment: In summary, the available evidence is currently insufficient to determine the role of this variant in disease. Therefore, it has been classified as a Variant of Uncertain Significance. Experimental studies have shown that this missense change affects CDKN2A (p16INK4a) function (PMID: 21462282). Algorithms developed to predict the effect of missense changes on protein structure and function are either unavailable or do not agree on the potential impact of this missense change (SIFT: "Deleterious"; PolyPhen-2: "Probably Damaging"; Align-GVGD: "Class C15"). This variant is also known as c.311T>C (p.Leu104Pro) in CDKN2A (p14ARF) transcript. This missense change has been observed in individual(s) with breast cancer, melanoma, and/or ovarian cancer (PMID: 30218143; Invitae). It has also been observed to segregate with disease in related individuals. This variant is not present in population databases (gnomAD no frequency). This sequence change replaces phenylalanine, which is neutral and non-polar, with leucine, which is neutral and non-polar, at codon 90 of the CDKN2A (p16INK4a) protein (p.Phe90Leu). The CDKN2A gene encodes two different proteins, p16INK4a and p14ARF, which are translated from alternative transcripts with different open reading frames. Both transcripts have been analyzed. We report either the variant with the higher classification or default to the CDKN2A (p16INK4a) variant. This report therefore includes the details for the CDKN2A (p16INK4a) variant.

Literature cited by the submitters: PubMed 21462282 (cited by Ambry Genetics and Labcorp Genetics (formerly Invitae), Labcorp); PubMed 30218143 (cited by Ambry Genetics and Labcorp Genetics (formerly Invitae), Labcorp).

NM_000077.5(CDKN2A):c.268T>C (p.Phe90Leu)

Gene: CDKN2A (cyclin dependent kinase inhibitor 2A; minus strand). Cytogenetic location: 9p21.3.
Variant type: single nucleotide variant.
Coding change: c.268T>C on transcript NM_000077.5; coding-DNA position 268, T replaced by C.
Protein change: p.Phe90Leu; replaces phenylalanine 90 with leucine.
Molecular consequence: missense variant (on NM_000077.6). On other transcripts: 3 prime UTR variant (1).
Genome position (GRCh38, 1-based): chr9:21,971,091, A>G on the plus strand (T>C on the coding strand, the complement: CDKN2A is on the minus strand). VCF-style: chr9-21971091-A-G. GRCh37 (hg19) VCF-style: chr9-21971090-A-G.
Other names: c.268T>C, p.Phe90Leu (NM_000077.6, NM_001195132.2); c.115T>C, p.Phe39Leu (NM_001363763.2); c.311T>C, p.Leu104Pro (NM_058195.4); c.*191T>C (NM_058197.5); short protein forms F90L, L104P, F39L.
Identifiers: ClinVar variation 2095801 (VCV002095801.5), dbSNP rs2131094698, ClinGen allele CA373086190.